The following is an entry in ClinVar:

ClinVar aggregate classification (germline): Uncertain significance (1 of 4 stars; one submission).

Conditions:
Bethlem myopathy 1A. Also called: Bethlem Muscular Dystrophy; MYOPATHY, BENIGN CONGENITAL, WITH CONTRACTURES; Bethlem myopathy 1. Identifiers: Orphanet 610, MedGen CN029274, MONDO:0024530, OMIM 158810.

Allele frequency attached by ClinVar (database versions not stated): gnomAD exomes below 0.00001; TOPMed 0.00001; gnomAD 0.00002.
gnomAD v4.1: 9 of 1,613,968 alleles (0.00056%); highest among the groups gnomAD compares: Non-Finnish European, 0.00076%; no homozygotes.

Submission:

Labcorp Genetics (formerly Invitae), Labcorp
Classification: Uncertain significance for Bethlem myopathy 1A. Last evaluated: 2022-07-29. Review status: criteria provided, single submitter. Criteria: Invitae Variant Classification Sherloc (09022015). Collection method: clinical testing. Allele origin: germline.
Comment: This variant is present in population databases (rs749556880, gnomAD 0.007%). This sequence change replaces valine, which is neutral and non-polar, with isoleucine, which is neutral and non-polar, at codon 1447 of the COL6A3 protein (p.Val1447Ile). This variant has not been reported in the literature in individuals affected with COL6A3-related conditions. In summary, the available evidence is currently insufficient to determine the role of this variant in disease. Therefore, it has been classified as a Variant of Uncertain Significance. Advanced modeling of protein sequence and biophysical properties (such as structural, functional, and spatial information, amino acid conservation, physicochemical variation, residue mobility, and thermodynamic stability) performed at Invitae indicates that this missense variant is not expected to disrupt COL6A3 protein function. ClinVar contains an entry for this variant (Variation ID: 1039663).

NM_004369.4(COL6A3):c.4339G>A (p.Val1447Ile)

Gene: COL6A3 (collagen type VI alpha 3 chain; minus strand). Cytogenetic location: 2q37.3.
Variant type: single nucleotide variant.
Coding change: c.4339G>A on transcript NM_004369.4 (MANE Select); coding-DNA position 4339, G replaced by A.
Protein change: p.Val1447Ile; replaces valine 1447 with isoleucine.
Molecular consequence: missense variant.
Genome position (GRCh38, 1-based): chr2:237,369,124, C>T on the plus strand (G>A on the coding strand, the complement: COL6A3 is on the minus strand). VCF-style: chr2-237369124-C-T. GRCh37 (hg19) VCF-style: chr2-238277767-C-T.
Other names: c.2518G>A, p.Val840Ile (NM_057166.5); c.3721G>A, p.Val1241Ile (NM_057167.4); short protein forms V1447I, V840I, V1241I.
Identifiers: ClinVar variation 1039663 (VCV001039663.12), dbSNP rs749556880, ClinGen allele CA67816853.